The following is an entry in ClinVar:

NM_005726.6(TSFM):c.542C>A (p.Ser181Ter)

Gene: TSFM (Ts translation elongation factor, mitochondrial; plus strand). Cytogenetic location: 12q14.1.
Variant type: single nucleotide variant.
Coding change: c.542C>A on transcript NM_005726.6 (MANE Select); coding-DNA position 542, C replaced by A.
Protein change: p.Ser181Ter; replaces serine 181 with a stop codon.
Molecular consequence: nonsense. On other transcripts: intron variant (1).
Genome position (GRCh38, 1-based): chr12:57,793,044, C>A. VCF-style: chr12-57793044-C-A. GRCh37 (hg19) VCF-style: chr12-58186827-C-A.
Other names: c.605C>A, p.Ser202Ter (NM_001172696.2); c.542C>A, p.Ser181Ter (NM_001172697.2); c.484-3133C>A (NM_001172695.2); c.605C>A (NM_001172696.1); short protein forms S202*, S181*.
Identifiers: ClinVar variation 3017558 (VCV003017558.4), dbSNP rs2140424365, ClinGen allele CA385529176.

ClinVar aggregate classification (germline): Pathogenic/Likely pathogenic. Review status: criteria provided, multiple submitters, no conflicts (2 of 4 stars). 2 submissions from 2 submitters: Pathogenic (1); Likely pathogenic (1). Last evaluated 2025-03-17.

Conditions:
Fatal mitochondrial disease due to combined oxidative phosphorylation defect type 3. Also called: Combined oxidative phosphorylation deficiency 3; ENCEPHALOMYOPATHY, RESPIRATORY FAILURE, AND LACTIC ACIDOSIS. Identifiers: Orphanet 168566, MedGen C1864840, MONDO:0012512, OMIM 610505.

gnomAD v4.1: 1 of 1,613,706 alleles (0.000062%); highest among the groups gnomAD compares: East Asian, 0.0022%; no homozygotes.

Submissions (2):

Natera, Inc.
Classification: Likely pathogenic for Combined oxidative phosphorylation deficiency 3. Last evaluated: 2025-03-17. Review status: criteria provided, single submitter. Criteria: Natera Variant Classification Schema (03/2026). Collection method: clinical testing. Allele origin: germline.
Comment: The c.605C>A variant in TSFM is a nonsense variant predicted to introduce a stop codon at amino acid 202. This variant is expected to result in nonsense mediated decay, truncation, or a dysfunctional protein product. This variant is rare in the general population with a frequency below the threshold expected for the associated phenotype(s). Given the available evidence, this variant is classified as Likely Pathogenic.

Labcorp Genetics (formerly Invitae), Labcorp
Classification: Pathogenic. Last evaluated: 2023-11-19. Review status: criteria provided, single submitter. Criteria: Invitae Variant Classification Sherloc (09022015). Collection method: clinical testing. Allele origin: germline.
Comment: This sequence change creates a premature translational stop signal (p.Ser202*) in the TSFM gene. While this is not anticipated to result in nonsense mediated decay, it is expected to disrupt the last 145 amino acid(s) of the TSFM protein. This variant is not present in population databases (gnomAD no frequency). This variant has not been reported in the literature in individuals affected with TSFM-related conditions. Algorithms developed to predict the effect of sequence changes on RNA splicing suggest that this variant may disrupt the consensus splice site. This variant disrupts a region of the TSFM protein in which other variant(s) (p.Cys336Tyr) have been determined to be pathogenic (PMID: 25037205). This suggests that this is a clinically significant region of the protein, and that variants that disrupt it are likely to be disease-causing. For these reasons, this variant has been classified as Pathogenic.

Literature cited by the submitters: PubMed 25037205 (cited by Labcorp Genetics (formerly Invitae), Labcorp).